The following is an entry in ClinVar:

ClinVar aggregate classification (germline): Likely benign (1 of 4 stars; one submission).

Submission:

CeGaT Center for Human Genetics Tuebingen
Classification: Likely benign. Last evaluated: 2025-03-01. Review status: criteria provided, single submitter. Criteria: CeGaT Center For Human Genetics Tuebingen Variant Classification Criteria Version 2. Collection method: clinical testing. Allele origin: germline. Affected: yes. Observed: 1 variant allele.
Comment: KRTAP4-3: BP4, BP7

NM_033187.2(KRTAP4-3):c.171C>T (p.Ser57=)

Gene: KRTAP4-3 (keratin associated protein 4-3; minus strand). Cytogenetic location: 17q21.2.
Variant type: single nucleotide variant.
Coding change: c.171C>T on transcript NM_033187.2 (MANE Select); coding-DNA position 171, C replaced by T.
Protein change: p.Ser57=; no amino-acid change (serine 57 retained).
Molecular consequence: synonymous variant.
Genome position (GRCh38, 1-based): chr17:41,168,002, G>A on the plus strand (C>T on the coding strand, the complement: KRTAP4-3 is on the minus strand). VCF-style: chr17-41168002-G-A. GRCh37 (hg19) VCF-style: chr17-39324254-G-A.
Identifiers: ClinVar variation 3777878 (VCV003777878.7).